The following is an entry in ClinVar:

NM_001130082.3(PLXNB1):c.3728G>A (p.Arg1243His)

Gene: PLXNB1 (plexin B1; minus strand). Cytogenetic location: 3p21.31.
Variant type: single nucleotide variant.
Coding change: c.3728G>A on transcript NM_001130082.3 (MANE Select); coding-DNA position 3728, G replaced by A.
Protein change: p.Arg1243His; replaces arginine 1243 with histidine.
Molecular consequence: missense variant.
Genome position (GRCh38, 1-based): chr3:48,415,649, C>T on the plus strand (G>A on the coding strand, the complement: PLXNB1 is on the minus strand). VCF-style: chr3-48415649-C-T. GRCh37 (hg19) VCF-style: chr3-48457058-C-T.
Other names: c.3728G>A, p.Arg1243His (NM_002673.6); c.3728G>A (NM_002673.4); short protein forms R1243H.
Identifiers: ClinVar variation 2634088 (VCV002634088.2), dbSNP rs571547770, ClinGen allele CA2374442.

ClinVar aggregate classification (germline): Conflicting classifications of pathogenicity. Review status: criteria provided, conflicting classifications (1 of 4 stars). 2 submissions from 2 submitters: Uncertain significance (1); Likely benign (1). Last evaluated 2024-03-31.

Conditions:
PLXNB1-related disorder. Also called: PLXNB1-related condition.

Allele frequency attached by ClinVar (database versions not stated): gnomAD 0.00003; TOPMed 0.00003; ExAC 0.00010; 1000 Genomes Project 30x 0.00016; 1000 Genomes Project 0.00020.
gnomAD v4.1: 24 of 1,577,326 alleles (0.0015%); highest among the groups gnomAD compares: East Asian, 0.037%; no homozygotes.

Submissions (2):

Ambry Genetics
Classification: Likely benign. Last evaluated: 2024-03-31. Review status: criteria provided, single submitter. Criteria: Ambry Variant Classification Scheme 2023. Collection method: clinical testing. Allele origin: germline.

PreventionGenetics, part of Exact Sciences
Classification: Uncertain significance for PLXNB1-related condition. Last evaluated: 2022-10-21. Review status: criteria provided, single submitter. Criteria: ACMG Guidelines, 2015. Collection method: clinical testing. Allele origin: germline.
Comment: The PLXNB1 c.3728G>A variant is predicted to result in the amino acid substitution p.Arg1243His. To our knowledge, this variant has not been reported in the literature. This variant is reported in 0.095% of alleles in individuals of East Asian descent in gnomAD. Although we suspect that this variant may be benign, at this time, the clinical significance of this variant is uncertain due to the absence of conclusive functional and genetic evidence.